The following is an entry in ClinVar:

NM_001004334.4(GPR179):c.5885C>T (p.Thr1962Ile)

Gene: GPR179 (G protein-coupled receptor 179; minus strand). Cytogenetic location: 17q12.
Variant type: single nucleotide variant.
Coding change: c.5885C>T on transcript NM_001004334.4 (MANE Select); coding-DNA position 5885, C replaced by T.
Protein change: p.Thr1962Ile; replaces threonine 1962 with isoleucine.
Molecular consequence: missense variant.
Genome position (GRCh38, 1-based): chr17:38,327,684, G>A on the plus strand (C>T on the coding strand, the complement: GPR179 is on the minus strand). VCF-style: chr17-38327684-G-A. GRCh37 (hg19) VCF-style: chr17-36483567-G-A.
Other names: short protein forms T1962I.
Identifiers: ClinVar variation 1716119 (VCV001716119.5), dbSNP rs2512156816, ClinGen allele CA398870644.

ClinVar aggregate classification (germline): Uncertain significance (1 of 4 stars; one submission).

gnomAD v4.1: 1 of 1,614,204 alleles (0.000062%); no homozygotes.

Submission:

Labcorp Genetics (formerly Invitae), Labcorp
Classification: Uncertain significance. Last evaluated: 2022-08-11. Review status: criteria provided, single submitter. Criteria: Invitae Variant Classification Sherloc (09022015). Collection method: clinical testing. Allele origin: germline.
Comment: In summary, the available evidence is currently insufficient to determine the role of this variant in disease. Therefore, it has been classified as a Variant of Uncertain Significance. Algorithms developed to predict the effect of missense changes on protein structure and function are either unavailable or do not agree on the potential impact of this missense change (SIFT: "Deleterious"; PolyPhen-2: "Benign"; Align-GVGD: "Class C0"). This variant has not been reported in the literature in individuals affected with GPR179-related conditions. This variant is not present in population databases (gnomAD no frequency). This sequence change replaces threonine, which is neutral and polar, with isoleucine, which is neutral and non-polar, at codon 1962 of the GPR179 protein (p.Thr1962Ile).